The following is an entry in ClinVar:

NM_014915.3(ANKRD26):c.881C>T (p.Ala294Val)

Gene: ANKRD26 (ankyrin repeat domain 26; minus strand). Cytogenetic location: 10p12.1.
Variant type: single nucleotide variant.
Coding change: c.881C>T on transcript NM_014915.3 (MANE Select); coding-DNA position 881, C replaced by T.
Protein change: p.Ala294Val; replaces alanine 294 with valine.
Molecular consequence: missense variant.
Genome position (GRCh38, 1-based): chr10:27,077,534, G>A on the plus strand (C>T on the coding strand, the complement: ANKRD26 is on the minus strand). VCF-style: chr10-27077534-G-A. GRCh37 (hg19) VCF-style: chr10-27366463-G-A.
Other names: c.881C>T, p.Ala294Val (NM_001256053.2); short protein forms A294V.
Identifiers: ClinVar variation 1956124 (VCV001956124.6), dbSNP rs1178839045, ClinGen allele CA376362112.

ClinVar aggregate classification (germline): Uncertain significance. Review status: criteria provided, multiple submitters, no conflicts (2 of 4 stars). 2 submissions from 2 submitters: Uncertain significance (2). Last evaluated 2025-06-25.

Conditions:
Inborn genetic diseases. Identifiers: MedGen C0950123, MeSH D030342.

Allele frequency attached by ClinVar (database versions not stated): gnomAD exomes below 0.00001; gnomAD 0.00001.
gnomAD v4.1: 3 of 1,613,660 alleles (0.00019%); highest among the groups gnomAD compares: East Asian, 0.0022%; no homozygotes.

Submissions (2):

Labcorp Genetics (formerly Invitae), Labcorp
Classification: Uncertain significance. Last evaluated: 2025-06-25. Review status: criteria provided, single submitter. Criteria: Invitae Variant Classification Sherloc (09022015). Collection method: clinical testing. Allele origin: germline.
Comment: This sequence change replaces alanine, which is neutral and non-polar, with valine, which is neutral and non-polar, at codon 294 of the ANKRD26 protein (p.Ala294Val). This variant is present in population databases (no rsID available, gnomAD 0.004%). This variant has not been reported in the literature in individuals affected with ANKRD26-related conditions. ClinVar contains an entry for this variant (Variation ID: 1956124). An algorithm developed to predict the effect of missense changes on protein structure and function (PolyPhen-2) suggests that this variant is likely to be tolerated. In summary, the available evidence is currently insufficient to determine the role of this variant in disease. Therefore, it has been classified as a Variant of Uncertain Significance.

Ambry Genetics
Classification: Uncertain significance for Inborn genetic diseases. Last evaluated: 2025-05-03. Review status: criteria provided, single submitter. Criteria: Ambry Variant Classification Scheme 2023. Collection method: clinical testing. Allele origin: germline.
Comment: The p.A294V variant (also known as c.881C>T), located in coding exon 9 of the ANKRD26 gene, results from a C to T substitution at nucleotide position 881. The alanine at codon 294 is replaced by valine, an amino acid with similar properties. This amino acid position is conserved. In addition, this alteration is predicted to be tolerated by in silico analysis. Based on the available evidence, the clinical significance of this variant remains unclear.